The following is an entry in ClinVar:

NM_001972.4(ELANE):c.272G>A (p.Arg91Gln)

Gene: ELANE (elastase, neutrophil expressed; plus strand). Cytogenetic location: 19p13.3.
Variant type: single nucleotide variant.
Coding change: c.272G>A on transcript NM_001972.4 (MANE Select); coding-DNA position 272, G replaced by A.
Protein change: p.Arg91Gln; replaces arginine 91 with glutamine.
Molecular consequence: missense variant.
Genome position (GRCh38, 1-based): chr19:853,309, G>A. VCF-style: chr19-853309-G-A. GRCh37 (hg19) VCF-style: chr19-853309-G-A.
Other names: short protein forms R91Q.
Identifiers: ClinVar variation 3762416 (VCV003762416.3).

ClinVar aggregate classification (germline): Uncertain significance. Review status: criteria provided, multiple submitters, no conflicts (2 of 4 stars). 2 submissions from 2 submitters: Uncertain significance (2). Last evaluated 2025-05-20.

Conditions:
Inborn genetic diseases. Identifiers: MedGen C0950123, MeSH D030342.
Neutropenia, severe congenital, 1, autosomal dominant. Identifiers: MedGen C1859966, MONDO:0042490, OMIM 202700.
Cyclical neutropenia. Also called: Cyclic hematopoiesis; Cyclic Neutropenia. Identifiers: Orphanet 2686, MedGen C0221023, MONDO:0008090, OMIM 162800, HP:0040289. Disease mechanism: loss of function.

gnomAD v4.1: 1 of 1,610,906 alleles (0.000062%); highest among the groups gnomAD compares: Non-Finnish European, 0.000085%; no homozygotes.

Submissions (2):

Ambry Genetics
Classification: Uncertain significance for Inborn genetic diseases. Last evaluated: 2025-05-20. Review status: criteria provided, single submitter. Criteria: Ambry Variant Classification Scheme 2023. Collection method: clinical testing. Allele origin: germline.
Comment: The p.R91Q variant (also known as c.272G>A), located in coding exon 3 of the ELANE gene, results from a G to A substitution at nucleotide position 272. The arginine at codon 91 is replaced by glutamine, an amino acid with highly similar properties. This amino acid position is conserved. In addition, this alteration is predicted to be tolerated by in silico analysis. Based on the available evidence, the clinical significance of this variant remains unclear.

Labcorp Genetics (formerly Invitae), Labcorp
Classification: Uncertain significance for Neutropenia, severe congenital, 1, autosomal dominant; Cyclical neutropenia. Last evaluated: 2024-02-17. Review status: criteria provided, single submitter. Criteria: Invitae Variant Classification Sherloc (09022015). Collection method: clinical testing. Allele origin: germline.
Comment: This sequence change replaces arginine, which is basic and polar, with glutamine, which is neutral and polar, at codon 91 of the ELANE protein (p.Arg91Gln). This variant is not present in population databases (gnomAD no frequency). This variant has not been reported in the literature in individuals affected with ELANE-related conditions. Algorithms developed to predict the effect of missense changes on protein structure and function output the following: SIFT: "Not Available"; PolyPhen-2: "Benign"; Align-GVGD: "Not Available". The glutamine amino acid residue is found in multiple mammalian species, which suggests that this missense change does not adversely affect protein function. In summary, the available evidence is currently insufficient to determine the role of this variant in disease. Therefore, it has been classified as a Variant of Uncertain Significance.